The following is an entry in ClinVar:

ClinVar aggregate classification (germline): Uncertain significance. Review status: criteria provided, multiple submitters, no conflicts (2 of 4 stars). 3 submissions from 3 submitters: Uncertain significance (3). Last evaluated 2026-01-14.

Conditions:
Cerebellar dysfunction with variable cognitive and behavioral abnormalities (CECBA). Also called: Nonprogressive cerebellar atxia with intellectual disability. Identifiers: Orphanet 314647, MedGen C3553661, MONDO:0013886, OMIM 614756.

Allele frequency attached by ClinVar (database versions not stated): TOPMed below 0.00001.
gnomAD v4.1: 44 of 1,612,088 alleles (0.0027%); highest among the groups gnomAD compares: Non-Finnish European, 0.0032%; no homozygotes.

Submissions (3):

Labcorp Genetics (formerly Invitae), Labcorp
Classification: Uncertain significance. Last evaluated: 2026-01-14. Review status: criteria provided, single submitter. Criteria: Invitae Variant Classification Sherloc (09022015). Collection method: clinical testing. Allele origin: germline.
Comment: This sequence change replaces asparagine, which is neutral and polar, with threonine, which is neutral and polar, at codon 1396 of the CAMTA1 protein (p.Asn1396Thr). This variant is not present in population databases (gnomAD no frequency). This missense change has been observed in individual(s) with CAMTA1-related conditions (PMID: 31957018). ClinVar contains an entry for this variant (Variation ID: 2637966). Invitae Evidence Modeling of protein sequence and biophysical properties (such as structural, functional, and spatial information, amino acid conservation, physicochemical variation, residue mobility, and thermodynamic stability) indicates that this missense variant is not expected to disrupt CAMTA1 protein function with a negative predictive value of 80%. In summary, the available evidence is currently insufficient to determine the role of this variant in disease. Therefore, it has been classified as a Variant of Uncertain Significance.

CeGaT Center for Human Genetics Tuebingen
Classification: Uncertain significance. Last evaluated: 2025-08-01. Review status: criteria provided, single submitter. Criteria: CeGaT Center For Human Genetics Tuebingen Variant Classification Criteria Version 2. Collection method: clinical testing. Allele origin: germline. Affected: yes. Observed: 1 variant allele.

Illumina Laboratory Services, Illumina
Classification: Uncertain significance for Cerebellar dysfunction with variable cognitive and behavioral abnormalities. Last evaluated: 2023-07-17. Review status: criteria provided, single submitter. Criteria: ICSLVariantClassificationCriteria RUGD 01 April 2020. Collection method: clinical testing. Allele origin: unknown.
Comment: This variant is reported in the Genome Aggregation Database in one allele at a frequency of 0.000015 in the European (non-Finnish) population (version 3.1.2). Based on the available evidence, the c.4187A>C p.(Asn1396Thr) variant is classified as a variant of uncertain significance for cerebellar dysfunction with variable cognitive and behavioral abnormalities.

Literature cited by the submitters: PubMed 31957018 (cited by Labcorp Genetics (formerly Invitae), Labcorp).

NM_015215.4(CAMTA1):c.4187A>C (p.Asn1396Thr)

Gene: CAMTA1 (calmodulin binding transcription activator 1; plus strand). Cytogenetic location: 1p36.23.
Variant type: single nucleotide variant.
Coding change: c.4187A>C on transcript NM_015215.4 (MANE Select); coding-DNA position 4187, A replaced by C.
Protein change: p.Asn1396Thr; replaces asparagine 1396 with threonine.
Molecular consequence: missense variant.
Genome position (GRCh38, 1-based): chr1:7,744,839, A>C. VCF-style: chr1-7744839-A-C. GRCh37 (hg19) VCF-style: chr1-7804899-A-C.
Other names: c.920A>C, p.Asn307Thr (NM_001349619.2, NM_001349620.1, NM_001349621.1 and 5 more transcripts); c.3848A>C, p.Asn1283Thr (NM_001410737.1, NM_001349609.2, NM_001349610.2); c.3776A>C, p.Asn1259Thr (NM_001410738.1); c.4097A>C, p.Asn1366Thr (NM_001349608.2); c.3758A>C, p.Asn1253Thr (NM_001349612.2); c.1316A>C, p.Asn439Thr (NM_001349613.1); c.1259A>C, p.Asn420Thr (NM_001349614.1, NM_001349615.2, NM_001349616.2 and 2 more transcripts); short protein forms N1253T, N1259T, N1283T, N1366T, N1396T, N307T, N420T, N439T.
Identifiers: ClinVar variation 2637966 (VCV002637966.12), dbSNP rs1056458813, ClinGen allele CA17236297.